The following is an entry in ClinVar:

ClinVar aggregate classification (germline): Uncertain significance. Review status: criteria provided, multiple submitters, no conflicts (2 of 4 stars). 2 submissions from 2 submitters: Uncertain significance (2). Last evaluated 2025-07-09.

Conditions:
LZTS1-related disorder. Also called: LZTS1-related condition.

Allele frequency attached by ClinVar (database versions not stated): TOPMed 0.00008; gnomAD 0.00009; 1000 Genomes Project 30x 0.00016.
gnomAD v4.1: 35 of 1,594,298 alleles (0.0022%); highest among the groups gnomAD compares: African/African-American, 0.022%; no homozygotes.

Submissions (2):

PreventionGenetics, part of Exact Sciences
Classification: Uncertain significance for LZTS1-related condition. Last evaluated: 2025-07-09. Review status: criteria provided, single submitter. Criteria: ACMG Guidelines, 2015. Collection method: clinical testing. Allele origin: germline.
Comment: The LZTS1 c.980C>T variant is predicted to result in the amino acid substitution p.Ala327Val. To our knowledge, this variant has not been reported in the literature. This variant is reported in 0.029% of alleles in individuals of African descent in gnomAD. At this time, the clinical significance of this variant is uncertain due to the absence of conclusive functional and genetic evidence.

Labcorp Genetics (formerly Invitae), Labcorp
Classification: Uncertain significance. Last evaluated: 2022-02-04. Review status: criteria provided, single submitter. Criteria: Invitae Variant Classification Sherloc (09022015). Collection method: clinical testing. Allele origin: germline.
Comment: In summary, the available evidence is currently insufficient to determine the role of this variant in disease. Therefore, it has been classified as a Variant of Uncertain Significance. Algorithms developed to predict the effect of missense changes on protein structure and function (SIFT, PolyPhen-2, Align-GVGD) all suggest that this variant is likely to be tolerated. This variant has not been reported in the literature in individuals affected with LZTS1-related conditions. This variant is present in population databases (rs199711006, gnomAD 0.03%). This sequence change replaces alanine, which is neutral and non-polar, with valine, which is neutral and non-polar, at codon 327 of the LZTS1 protein (p.Ala327Val).

NM_021020.5(LZTS1):c.980C>T (p.Ala327Val)

Gene: LZTS1 (leucine zipper tumor suppressor 1; minus strand). Cytogenetic location: 8p21.3.
Variant type: single nucleotide variant.
Coding change: c.980C>T on transcript NM_021020.5 (MANE Select); coding-DNA position 980, C replaced by T.
Protein change: p.Ala327Val; replaces alanine 327 with valine.
Molecular consequence: missense variant.
Genome position (GRCh38, 1-based): chr8:20,252,951, G>A on the plus strand (C>T on the coding strand, the complement: LZTS1 is on the minus strand). VCF-style: chr8-20252951-G-A. GRCh37 (hg19) VCF-style: chr8-20110462-G-A.
Other names: c.980C>T, p.Ala327Val (NM_001362884.2); c.980C>T (NM_021020.3); short protein forms A327V.
Identifiers: ClinVar variation 1366652 (VCV001366652.7), dbSNP rs199711006, ClinGen allele CA4657391.